The following is an entry in ClinVar:

NM_000159.4(GCDH):c.893C>T (p.Ala298Val)

Gene: GCDH (glutaryl-CoA dehydrogenase; plus strand). Cytogenetic location: 19p13.13.
Variant type: single nucleotide variant.
Coding change: c.893C>T on transcript NM_000159.4 (MANE Select); coding-DNA position 893, C replaced by T.
Protein change: p.Ala298Val; replaces alanine 298 with valine.
Molecular consequence: missense variant. On other transcripts: non-coding transcript variant (2).
Genome position (GRCh38, 1-based): chr19:12,896,950, C>T. VCF-style: chr19-12896950-C-T. GRCh37 (hg19) VCF-style: chr19-13007764-C-T.
Other names: c.893C>T, p.Ala298Val (NM_013976.5); short protein forms A298V.
Identifiers: ClinVar variation 459955 (VCV000459955.12), dbSNP rs764993096, ClinGen allele CA9234540.

ClinVar aggregate classification (germline): Conflicting classifications of pathogenicity. Review status: criteria provided, conflicting classifications (1 of 4 stars). 4 submissions from 4 submitters: Pathogenic (1); Likely pathogenic (1); Uncertain significance (1). 1 of the submissions does not count toward it. Last evaluated 2025-09-10.

Conditions:
Glutaric aciduria, type 1. Also called: Glutaryl-CoA dehydrogenase deficiency; GA I; Glutaricaciduria, type I; Glutaric Acidemia Type 1; Glutaric acidemia type I; Glutaricacidemia Type 1. Identifiers: Orphanet 25, MedGen C0268595, MONDO:0009281, OMIM 231670.

Allele frequency attached by ClinVar (database versions not stated): TOPMed below 0.00001; gnomAD 0.00001; gnomAD exomes 0.00001; ExAC 0.00002.

Submissions (4):

Genomic Medicine Center of Excellence, King Faisal Specialist Hospital and Research Centre
Classification: Likely pathogenic for Glutaric aciduria, type 1. Last evaluated: 2025-09-10. Review status: criteria provided, single submitter. Criteria: ACMG Guidelines, 2015. Collection method: clinical testing. Allele origin: germline.

Labcorp Genetics (formerly Invitae), Labcorp
Classification: Pathogenic for Glutaric aciduria, type 1. Last evaluated: 2025-06-16. Review status: criteria provided, single submitter. Criteria: Invitae Variant Classification Sherloc (09022015). Collection method: clinical testing. Allele origin: germline.
Comment: This sequence change replaces alanine, which is neutral and non-polar, with valine, which is neutral and non-polar, at codon 298 of the GCDH protein (p.Ala298Val). This variant is present in population databases (rs764993096, gnomAD 0.005%). This missense change has been observed in individual(s) with glutaric aciduria type 1 (internal data). In at least one individual the data is consistent with being in trans (on the opposite chromosome) from a pathogenic variant. ClinVar contains an entry for this variant (Variation ID: 459955). Invitae Evidence Modeling of protein sequence and biophysical properties (such as structural, functional, and spatial information, amino acid conservation, physicochemical variation, residue mobility, and thermodynamic stability) indicates that this missense variant is not expected to disrupt GCDH protein function with a negative predictive value of 80%. This variant disrupts the p.Ala298 amino acid residue in GCDH. Other variant(s) that disrupt this residue have been determined to be pathogenic (PMID: 11058907, 15505393, 23104440, 26656312, 27672653). This suggests that this residue is clinically significant, and that variants that disrupt this residue are likely to be disease-causing. For these reasons, this variant has been classified as Pathogenic.

Women's Health and Genetics/Laboratory Corporation of America, LabCorp
Classification: Uncertain significance. Last evaluated: 2024-04-22. Review status: criteria provided, single submitter. Criteria: LabCorp Variant Classification Summary - May 2015. Collection method: clinical testing. Allele origin: germline.
Comment: Variant summary: GCDH c.893C>T (p.Ala298Val) results in a non-conservative amino acid change located in the Acyl-CoA dehydrogenase/oxidase, C-terminal domain (IPR009075) of the encoded protein sequence. Four of five in-silico tools predict a damaging effect of the variant on protein function. The variant allele was found at a frequency of 8e-06 in 250510 control chromosomes. The available data on variant occurrences in the general population are insufficient to allow any conclusion about variant significance. c.893C>T has been reported in the literature in individuals affected with Glutaric Acidemia Type 1 (examples: Goodman_1998, Schuurmans_2023). These report(s) do not provide unequivocal conclusions about association of the variant with Glutaric Acidemia Type 1. To our knowledge, no experimental evidence demonstrating an impact on protein function has been reported. The following publications have been ascertained in the context of this evaluation (PMID: 9711871, 37020324). ClinVar contains an entry for this variant (Variation ID: 459955). Based on the evidence outlined above, the variant was classified as uncertain significance.

Natera, Inc.
Classification: Uncertain significance for Glutaric acidemia type 1. Last evaluated: 2020-08-10. Review status: no assertion criteria provided. Collection method: clinical testing. Allele origin: germline. Not counted in ClinVar's aggregate classification.

Literature cited by the submitters: PubMed 11058907 (cited by Labcorp Genetics (formerly Invitae), Labcorp); PubMed 15505393 (cited by Labcorp Genetics (formerly Invitae), Labcorp); PubMed 23104440 (cited by Labcorp Genetics (formerly Invitae), Labcorp); PubMed 26656312 (cited by Labcorp Genetics (formerly Invitae), Labcorp); PubMed 27672653 (cited by Labcorp Genetics (formerly Invitae), Labcorp); PubMed 9711871 (cited by Women's Health and Genetics/Laboratory Corporation of America, LabCorp); PubMed 37020324 (cited by Women's Health and Genetics/Laboratory Corporation of America, LabCorp).